The following is an entry in ClinVar:

NM_000038.6(APC):c.3802C>T (p.Pro1268Ser)

Gene: APC (APC regulator of Wnt signaling pathway; plus strand). Cytogenetic location: 5q22.2.
Variant type: single nucleotide variant.
Coding change: c.3802C>T on transcript NM_000038.6 (MANE Select); coding-DNA position 3802, C replaced by T.
Protein change: p.Pro1268Ser; replaces proline 1268 with serine.
Molecular consequence: missense variant. On other transcripts: non-coding transcript variant (2).
Genome position (GRCh38, 1-based): chr5:112,839,396, C>T. VCF-style: chr5-112839396-C-T. GRCh37 (hg19) VCF-style: chr5-112175093-C-T.
Other names: c.3679C>T, p.Pro1227Ser (NM_001354900.2); c.3625C>T, p.Pro1209Ser (NM_001354901.2, NM_001407453.1); c.3727C>T, p.Pro1243Ser (NM_001354898.2); c.3718C>T, p.Pro1240Ser (NM_001354899.2); c.3802C>T, p.Pro1268Ser (NM_001127510.3, NM_001354895.2, NM_001407450.1); c.3748C>T, p.Pro1250Ser (NM_001127511.3); c.3856C>T, p.Pro1286Ser (NM_001354896.2, NM_001407447.1, NM_001407448.1 and 1 more transcripts); c.3832C>T, p.Pro1278Ser (NM_001354897.2); and 11 more; short protein forms P1108S, P1177S, P1185S, P1227S, P1243S, P1250S, P1278S, P1286S.
Identifiers: ClinVar variation 3880512 (VCV003880512.1).

ClinVar aggregate classification (germline): Uncertain significance (1 of 4 stars; one submission).

Conditions:
Hereditary cancer-predisposing syndrome. Also called: Tumor predisposition; Neoplastic Syndromes, Hereditary; Hereditary Cancer Syndrome; Hereditary neoplastic syndrome. Identifiers: Orphanet 140162, MedGen C0027672, MeSH D009386, MONDO:0015356.

Submission:

Ambry Genetics
Classification: Uncertain significance for Hereditary cancer-predisposing syndrome. Last evaluated: 2025-01-09. Review status: criteria provided, single submitter. Criteria: Ambry Variant Classification Scheme 2023. Collection method: clinical testing. Allele origin: germline.
Comment: The p.P1268S variant (also known as c.3802C>T), located in coding exon 15 of the APC gene, results from a C to T substitution at nucleotide position 3802. The proline at codon 1268 is replaced by serine, an amino acid with similar properties. This amino acid position is highly conserved in available vertebrate species. In addition, in silico predictors for this gene do not accurately predict pathogenicity. Missense alterations in APC are not a common cause of disease (Spier I et al. Genet Med. 2024 Feb;26(2):100992). Based on the available evidence, the clinical significance of this variant remains unclear.